The following is an entry in ClinVar:

ClinVar aggregate classification (germline): Uncertain significance. Review status: criteria provided, multiple submitters, no conflicts (2 of 4 stars). 6 submissions from 6 submitters: Uncertain significance (6). Last evaluated 2025-12-29.

Conditions:
Hereditary cancer-predisposing syndrome. Also called: Hereditary neoplastic syndrome; Neoplastic Syndromes, Hereditary; Tumor predisposition; Hereditary Cancer Syndrome. Identifiers: Orphanet 140162, MedGen C0027672, MeSH D009386, MONDO:0015356.
Hereditary diffuse gastric adenocarcinoma (HDGC). Also called: DIFFUSE GASTRIC AND LOBULAR BREAST CANCER SYNDROME. Identifiers: Orphanet 26106, MedGen C1708349, MONDO:0007648, OMIM 137215.
Hereditary breast ovarian cancer syndrome. Also called: BRCA1- and BRCA2-Associated Hereditary Breast and Ovarian Cancer; Hereditary breast and ovarian cancer; Hereditary breast and/or ovarian cancer syndrome; Hereditary breast and ovarian cancer syndrome; Hereditary breast and ovarian cancer syndrome (HBOC); Breast and ovarian cancer. Identifiers: Orphanet 145, MedGen C0677776, MeSH D061325, MONDO:0003582. Disease mechanism: loss of function.

Allele frequency attached by ClinVar (database versions not stated): gnomAD exomes below 0.00001.
gnomAD v4.1: 1 of 1,614,152 alleles (0.000062%); highest among the groups gnomAD compares: Non-Finnish European, 0.000085%; no homozygotes.

Submissions (6):

Center for Genomic Medicine, Rigshospitalet, Copenhagen University Hospital
Classification: Uncertain significance. Last evaluated: 2025-12-29. Review status: criteria provided, single submitter. Criteria: ACMG Guidelines, 2015. Collection method: clinical testing. Allele origin: germline.

Ambry Genetics
Classification: Uncertain significance for Hereditary cancer-predisposing syndrome. Last evaluated: 2025-08-19. Review status: criteria provided, single submitter. Criteria: Ambry Variant Classification Scheme 2023. Collection method: clinical testing. Allele origin: germline.
Comment: The p.D370N variant (also known as c.1108G>A), located in coding exon 8 of the CDH1 gene, results from a G to A substitution at nucleotide position 1108. The aspartic acid at codon 370 is replaced by asparagine, an amino acid with highly similar properties. This amino acid position is highly conserved in available vertebrate species. In addition, this alteration is predicted to be tolerated by in silico analysis. Based on the available evidence, the clinical significance of this variant remains unclear.

Labcorp Genetics (formerly Invitae), Labcorp
Classification: Uncertain significance for Hereditary diffuse gastric adenocarcinoma. Last evaluated: 2024-04-30. Review status: criteria provided, single submitter. Criteria: Invitae Variant Classification Sherloc (09022015). Collection method: clinical testing. Allele origin: germline.
Comment: This sequence change replaces aspartic acid, which is acidic and polar, with asparagine, which is neutral and polar, at codon 370 of the CDH1 protein (p.Asp370Asn). This variant is not present in population databases (gnomAD no frequency). This missense change has been observed in individual(s) with multiple foci of signet ring cell carcinoma (PMID: 27995193). It has also been observed to segregate with disease in related individuals. ClinVar contains an entry for this variant (Variation ID: 1041788). An algorithm developed to predict the effect of missense changes on protein structure and function (PolyPhen-2) suggests that this variant is likely to be disruptive. In summary, the available evidence is currently insufficient to determine the role of this variant in disease. Therefore, it has been classified as a Variant of Uncertain Significance.

German Consortium for Hereditary Breast and Ovarian Cancer, University Hospital Cologne
Classification: Uncertain significance for Hereditary breast ovarian cancer syndrome. Last evaluated: 2024-02-15. Review status: criteria provided, single submitter. Criteria: Lee et al. (Hum Mutat. 2018). Collection method: curation. Allele origin: germline.
Comment: According to the ACMG gene specific: CDH1 criteria we chose these criteria: PS4 (supporting pathogenic): 1 family meets HDGC criteria , PM2 (supporting pathogenic): absent in gnomAD v2/3 1/761,886 alleles in gAD v4, PP1 (medium pathogenic): 5-6 meioses across ≥1 families

European Reference Network on Genetic Tumour Risk Syndromes (ERN-GENTURIS), i3s - Instituto de Investigação e Inovação em Saúde, University of Porto
Classification: Uncertain significance for Hereditary diffuse gastric adenocarcinoma. Last evaluated: 2022-08-01. Review status: criteria provided, single submitter. Criteria: Lee et al. (Hum Mutat. 2018). Collection method: clinical testing. Allele origin: germline. Inheritance: Autosomal dominant inheritance. Affected: yes. Study: ERN GENTURIS.
Comment: PS4_Supporting; PM2 (PMID: 30311375)

Blueprint Genetics
Classification: Uncertain significance. Last evaluated: 2021-06-09. Review status: criteria provided, single submitter. Criteria: ACMG Guidelines, 2015. Collection method: clinical testing. Allele origin: germline.

Literature cited by the submitters: PubMed 27995193 (cited by 3 submitters); PubMed 33322525 (cited by Center for Genomic Medicine, Rigshospitalet, Copenhagen University Hospital and Ambry Genetics); PubMed 36436516 (cited by European Reference Network on Genetic Tumour Risk Syndromes (ERN-GENTURIS), i3s - Instituto de Investigação e Inovação em Saúde, University of Porto).

NM_004360.5(CDH1):c.1108G>A (p.Asp370Asn)

Gene: CDH1 (cadherin 1; plus strand). Cytogenetic location: 16q22.1.
Variant type: single nucleotide variant.
Coding change: c.1108G>A on transcript NM_004360.5 (MANE Select); coding-DNA position 1108, G replaced by A.
Protein change: p.Asp370Asn; replaces aspartic acid 370 with asparagine.
Molecular consequence: missense variant. On other transcripts: 5 prime UTR variant (2).
Genome position (GRCh38, 1-based): chr16:68,812,234, G>A. VCF-style: chr16-68812234-G-A. GRCh37 (hg19) VCF-style: chr16-68846137-G-A.
Other names: c.1108G>A, p.Asp370Asn (NM_001317184.2); c.-508G>A (NM_001317185.2); c.-712G>A (NM_001317186.2); c.1108G>A (NM_004360.4, NM_004360.3); short protein forms D370N.
Identifiers: ClinVar variation 1041788 (VCV001041788.14), dbSNP rs1960859184, ClinGen allele CA396460161.